The following is an entry in ClinVar:

NM_177438.3(DICER1):c.3891del (p.Leu1298fs)

Gene: DICER1 (dicer 1, ribonuclease III; minus strand). Cytogenetic location: 14q32.13.
Variant type: Deletion.
Coding change: c.3891del on transcript NM_177438.3 (MANE Select); coding-DNA position 3891, one base deleted (T; older notation c.3891delT).
Protein change: p.Leu1298fs; shifts the reading frame from leucine 1298.
Molecular consequence: frameshift variant. On other transcripts: non-coding transcript variant (6).
Genome position (GRCh38, 1-based): chr14:95,103,505, A deleted on the plus strand (T on the coding strand, the reverse complement: DICER1 is on the minus strand); the first of 2 consecutive A bases (chr14:95,103,505-95,103,506); deleting either gives the same sequence. VCF-style (leftmost placement, unchanged base first): chr14-95103504-GA-G. GRCh37 (hg19) VCF-style: chr14-95569841-GA-G.
Other names: c.3891del, p.Leu1298fs (NM_001195573.1, NM_001271282.3, NM_001291628.2 and 12 more transcripts); c.3890delT, p.Leu1298Phefs (NM_001395681.1); c.3609del, p.Leu1204fs (NM_001395686.1); c.3486del, p.Leu1163fs (NM_001395687.1, NM_001395688.1, NM_001395689.1 and 2 more transcripts); c.3324del, p.Leu1109fs (NM_001395691.1); c.2208del, p.Leu737fs (NM_001395697.1); c.3891delT (NM_177438.2); short protein forms L1204fs, L1298fs, L1163fs, L737fs, L1109fs.
Identifiers: ClinVar variation 2033430 (VCV002033430.5), dbSNP rs2542690534, ClinGen allele CA2580089229.

ClinVar aggregate classification (germline): Pathogenic. Review status: criteria provided, multiple submitters, no conflicts (2 of 4 stars). 2 submissions from 2 submitters: Pathogenic (2). Last evaluated 2024-05-14.

Conditions:
DICER1-related tumor predisposition. Also called: DICER1-related pleuropulmonary blastoma cancer predisposition syndrome; DICER1 syndrome. Identifiers: Orphanet 284343, MedGen C3839822, MONDO:0100216.
Hereditary cancer-predisposing syndrome. Also called: Tumor predisposition; Hereditary neoplastic syndrome; Neoplastic Syndromes, Hereditary; Hereditary Cancer Syndrome. Identifiers: Orphanet 140162, MedGen C0027672, MeSH D009386, MONDO:0015356.

Submissions (2):

Ambry Genetics
Classification: Pathogenic for Hereditary cancer-predisposing syndrome. Last evaluated: 2024-05-14. Review status: criteria provided, single submitter. Criteria: Ambry Variant Classification Scheme 2023. Collection method: clinical testing. Allele origin: germline.
Comment: The c.3891delT pathogenic mutation, located in coding exon 20 of the DICER1 gene, results from a deletion of one nucleotide at nucleotide position 3891, causing a translational frameshift with a predicted alternate stop codon (p.L1298Ffs*4). This variant is considered to be rare based on population cohorts in the Genome Aggregation Database (gnomAD). This alteration is expected to result in loss of function by premature protein truncation or nonsense-mediated mRNA decay. As such, this alteration is interpreted as a disease-causing mutation.

Labcorp Genetics (formerly Invitae), Labcorp
Classification: Pathogenic for DICER1-related tumor predisposition. Last evaluated: 2022-09-30. Review status: criteria provided, single submitter. Criteria: Invitae Variant Classification Sherloc (09022015). Collection method: clinical testing. Allele origin: germline.
Comment: For these reasons, this variant has been classified as Pathogenic. This variant has not been reported in the literature in individuals affected with DICER1-related conditions. This variant is not present in population databases (gnomAD no frequency). This sequence change creates a premature translational stop signal (p.Leu1298Phefs*4) in the DICER1 gene. It is expected to result in an absent or disrupted protein product. Loss-of-function variants in DICER1 are known to be pathogenic (PMID: 19556464, 21266384).

Literature cited by the submitters: PubMed 19556464 (cited by Labcorp Genetics (formerly Invitae), Labcorp); PubMed 21266384 (cited by Labcorp Genetics (formerly Invitae), Labcorp).